The following is an entry in ClinVar:

ClinVar aggregate classification (germline): Pathogenic. Review status: reviewed by expert panel (3 of 4 stars). 2 submissions from 2 submitters: Pathogenic (1). 1 of the submissions does not count toward it. Last evaluated 2022-07-01.

Conditions:
Maturity-onset diabetes of the young type 3. Also called: MODY, type III; MODY type 3. Identifiers: Orphanet 552, MedGen C1838100, MeSH C563933, MONDO:0010894, OMIM 600496. Disease mechanism: loss of function.
Monogenic diabetes. Identifiers: Orphanet 183625, MedGen C3888631, MONDO:0015967.

Allele frequency attached by ClinVar (database versions not stated): gnomAD exomes below 0.00001.

Submissions (2):

ClinGen Monogenic Diabetes Variant Curation Expert Panel
Classification: Pathogenic for Monogenic diabetes. Last evaluated: 2022-07-01. Review status: reviewed by expert panel. Criteria: ClinGen Diabetes ACMG Specifications v1 1. Collection method: curation. Allele origin: germline. Inheritance: Autosomal dominant inheritance.
Comment: The c.404del variant in the HNF1 Homeobox A gene, HMF1A, causes a frameshift in the protein at codon 135 (NM_000545.8), adding 20 novel amino acids before encountering a stop codon (p.(Asp135ValfsTer20)). This variant, located in biologically-relevant exon 2 of 10, is predicted to lead to nonsense mediated decay in a gene in which loss-of-function is an established disease mechanism (PVS1; PMID: 23348805). This variant is absent in gnomAD v2.1.1 (PM2_Supporting), and was identified in 9 unrelated individuals with non- autoimmune and non-absolute/near-absolute insulin-deficient diabetes (PS4; PMID 30269055, internal lab contributors). At least one of these individuals has a clinical history highly specific for HNF1A-MODY (MODY probability calculator result >50%, negative genetic testing for HNF4A, and sensitive to sulfonylureas) (PP4_Moderate; PMID 30269055, internal lab contributor). This variant also segregated with diabetes, with at least 11 informative meioses in six families with MODY (PP1_Strong; internal lab contributor). In summary, the c.404del variant meets the criteria to be classified as pathogenic for monogenic diabetes. ACMG/AMP criteria applied, as specified by the ClinGen MDEP (specification version 1.1, approved 9/30/21): PVS1, PP1_Strong, PS4, PP4_Moderate, PM2_Supporting.

Genetics and Molecular Pathology, SA Pathology
Classification: Likely pathogenic for Maturity-onset diabetes of the young type 3. Last evaluated: 2021-10-07. Review status: criteria provided, single submitter. Criteria: ACMG Guidelines, 2015. Collection method: clinical testing. Allele origin: germline. Affected: yes. Not counted in ClinVar's aggregate classification.

NM_000545.8(HNF1A):c.404del (p.Asp135fs)

Gene: HNF1A (HNF1 homeobox A; plus strand). Cytogenetic location: 12q24.31.
Variant type: Deletion.
Coding change: c.404del on transcript NM_000545.8 (MANE Select); coding-DNA position 404, one base deleted (A; older notation c.404delA).
Protein change: p.Asp135fs; shifts the reading frame from aspartic acid 135.
Molecular consequence: frameshift variant.
Genome position (GRCh38, 1-based): chr12:120,988,910, A deleted. VCF-style (leftmost placement, unchanged base first): chr12-120988909-GA-G. GRCh37 (hg19) VCF-style: chr12-121426712-GA-G.
Other names: NM_001306179.2:c.404del; c.404delA (NM_000545.8); c.404del, p.Asp135fs (NM_001306179.2); short protein forms D135fs.
Identifiers: ClinVar variation 1700001 (VCV001700001.3), dbSNP rs2135832632, ClinGen allele CA2497030023.